The following is an entry in ClinVar:

NM_020549.5(CHAT):c.976G>A (p.Glu326Lys)

Gene: CHAT (choline O-acetyltransferase; plus strand). Cytogenetic location: 10q11.23.
Variant type: single nucleotide variant.
Coding change: c.976G>A on transcript NM_020549.5 (MANE Select); coding-DNA position 976, G replaced by A.
Protein change: p.Glu326Lys; replaces glutamic acid 326 with lysine.
Molecular consequence: missense variant.
Genome position (GRCh38, 1-based): chr10:49,627,650, G>A. VCF-style: chr10-49627650-G-A. GRCh37 (hg19) VCF-style: chr10-50835696-G-A.
Other names: c.622G>A, p.Glu208Lys (NM_001142929.2, NM_001142934.2, NM_020984.4 and 2 more transcripts); c.730G>A, p.Glu244Lys (NM_001142933.2); short protein forms E326K, E208K, E244K.
Identifiers: ClinVar variation 1415147 (VCV001415147.6), dbSNP rs906778274, ClinGen allele CA206632209.

ClinVar aggregate classification (germline): Uncertain significance (1 of 4 stars; one submission).

Conditions:
Familial infantile myasthenia (CMS6). Also called: MYASTHENIC SYNDROME, PRESYNAPTIC, CONGENITAL, ASSOCIATED WITH EPISODIC APNEA; MYASTHENIC SYNDROME, CONGENITAL, 6, PRESYNAPTIC; Congenital myasthenic syndrome type 6. Identifiers: Orphanet 590, MedGen C0393929, MONDO:0009689, OMIM 254210.

Submission:

Labcorp Genetics (formerly Invitae), Labcorp
Classification: Uncertain significance for Familial infantile myasthenia. Last evaluated: 2022-03-20. Review status: criteria provided, single submitter. Criteria: Invitae Variant Classification Sherloc (09022015). Collection method: clinical testing. Allele origin: germline.
Comment: In summary, the available evidence is currently insufficient to determine the role of this variant in disease. Therefore, it has been classified as a Variant of Uncertain Significance. Advanced modeling of protein sequence and biophysical properties (such as structural, functional, and spatial information, amino acid conservation, physicochemical variation, residue mobility, and thermodynamic stability) performed at Invitae indicates that this missense variant is not expected to disrupt CHAT protein function. This variant has not been reported in the literature in individuals affected with CHAT-related conditions. This variant is not present in population databases (gnomAD no frequency). This sequence change replaces glutamic acid, which is acidic and polar, with lysine, which is basic and polar, at codon 326 of the CHAT protein (p.Glu326Lys).